The following is an entry in ClinVar:

NM_002900.3(RBP3):c.1618C>T (p.Leu540Phe)

Gene: RBP3 (retinol binding protein 3; plus strand). Cytogenetic location: 10q11.22.
Variant type: single nucleotide variant.
Coding change: c.1618C>T on transcript NM_002900.3 (MANE Select); coding-DNA position 1618, C replaced by T.
Protein change: p.Leu540Phe; replaces leucine 540 with phenylalanine.
Molecular consequence: missense variant.
Genome position (GRCh38, 1-based): chr10:47,350,102, C>T. VCF-style: chr10-47350102-C-T. GRCh37 (hg19) VCF-style: chr10-48389260-G-A.
Other names: short protein forms L540F.
Identifiers: ClinVar variation 2073489 (VCV002073489.5), dbSNP rs376714442, ClinGen allele CA5487478.

ClinVar aggregate classification (germline): Uncertain significance. Review status: criteria provided, multiple submitters, no conflicts (2 of 4 stars). 4 submissions from 4 submitters: Uncertain significance (3). 1 of the submissions does not count toward it. Last evaluated 2025-08-23.

Conditions:
Inborn genetic diseases. Identifiers: MedGen C0950123, MeSH D030342.
Retinal dystrophy. Also called: Inherited retinal dystrophy. Identifiers: Orphanet 71862, MedGen C0854723, MeSH D058499, MONDO:0019118, HP:0000556.

Allele frequency attached by ClinVar (database versions not stated): ExAC 0.00003; gnomAD 0.00004; TOPMed 0.00004; gnomAD exomes 0.00007; ESP Exome Variant Server 0.00015.
gnomAD v4.1: 101 of 1,612,932 alleles (0.0063%); highest among the groups gnomAD compares: Non-Finnish European, 0.0085%; no homozygotes.

Submissions (4):

Ambry Genetics
Classification: Uncertain significance for Inborn genetic diseases. Last evaluated: 2025-08-23. Review status: criteria provided, single submitter. Criteria: Ambry Variant Classification Scheme 2023. Collection method: clinical testing. Allele origin: germline.

Blueprint Genetics
Classification: Uncertain significance. Last evaluated: 2023-12-13. Review status: criteria provided, single submitter. Criteria: ACMG Guidelines, 2015. Collection method: clinical testing. Allele origin: germline.

Labcorp Genetics (formerly Invitae), Labcorp
Classification: Uncertain significance. Last evaluated: 2022-10-18. Review status: criteria provided, single submitter. Criteria: Invitae Variant Classification Sherloc (09022015). Collection method: clinical testing. Allele origin: germline.
Comment: This sequence change replaces leucine, which is neutral and non-polar, with phenylalanine, which is neutral and non-polar, at codon 540 of the RBP3 protein (p.Leu540Phe). This variant is present in population databases (rs376714442, gnomAD 0.006%). This variant has not been reported in the literature in individuals affected with RBP3-related conditions. Algorithms developed to predict the effect of missense changes on protein structure and function are either unavailable or do not agree on the potential impact of this missense change (SIFT: "Deleterious"; PolyPhen-2: "Possibly Damaging"; Align-GVGD: "Class C0"). In summary, the available evidence is currently insufficient to determine the role of this variant in disease. Therefore, it has been classified as a Variant of Uncertain Significance.

Institute of Human Genetics, Univ. Regensburg, Univ. Regensburg
Classification: Uncertain significance for Retinal dystrophy. Last evaluated: 2019-01-01. Review status: no assertion criteria provided. Criteria: ACMG Guidelines, 2015. Collection method: clinical testing. Allele origin: germline. Affected: yes. Not counted in ClinVar's aggregate classification.